The following is an entry in ClinVar:

ClinVar aggregate classification (germline): Uncertain significance (1 of 4 stars; one submission).

Allele frequency attached by ClinVar (database versions not stated): gnomAD exomes 0.00001; TOPMed 0.00001.
gnomAD v4.1: 10 of 1,611,854 alleles (0.00062%); highest among the groups gnomAD compares: Non-Finnish European, 0.00085%; no homozygotes.

Submission:

Ambry Genetics
Classification: Uncertain significance. Last evaluated: 2024-07-03. Review status: criteria provided, single submitter. Criteria: Ambry Variant Classification Scheme 2023. Collection method: clinical testing. Allele origin: germline.
Comment: The p.I2443V variant (also known as c.7327A>G), located in coding exon 27 of the POLQ gene, results from an A to G substitution at nucleotide position 7327. The isoleucine at codon 2443 is replaced by valine, an amino acid with highly similar properties. This amino acid position is conserved. In addition, the in silico prediction for this alteration is inconclusive. Since supporting evidence is limited at this time, the clinical significance of this alteration remains unclear.

NM_199420.4(POLQ):c.7327A>G (p.Ile2443Val)

Gene: POLQ (DNA polymerase theta; minus strand). Cytogenetic location: 3q13.33.
Variant type: single nucleotide variant.
Coding change: c.7327A>G on transcript NM_199420.4 (MANE Select); coding-DNA position 7327, A replaced by G.
Protein change: p.Ile2443Val; replaces isoleucine 2443 with valine.
Molecular consequence: missense variant.
Genome position (GRCh38, 1-based): chr3:121,440,054, T>C on the plus strand (A>G on the coding strand, the complement: POLQ is on the minus strand). VCF-style: chr3-121440054-T-C. GRCh37 (hg19) VCF-style: chr3-121158901-T-C.
Other names: short protein forms I2443V.
Identifiers: ClinVar variation 1758337 (VCV001758337.3), dbSNP rs968934435, ClinGen allele CA81841202.